The following is an entry in ClinVar:

NM_001374736.1(DST):c.18249+3G>A

Gene: DST (dystonin; minus strand). Cytogenetic location: 6p12.1.
Variant type: single nucleotide variant.
Coding change: c.18249+3G>A on transcript NM_001374736.1 (MANE Select); 3 bases into the intron after coding-DNA position 18249, G replaced by A.
Molecular consequence: intron variant.
Genome position (GRCh38, 1-based): chr6:56,517,498, C>T on the plus strand (G>A on the coding strand, the complement: DST is on the minus strand). VCF-style: chr6-56517498-C-T. GRCh37 (hg19) VCF-style: chr6-56382296-C-T.
Other names: c.11892+3G>A (NM_001144769.5, NM_001144769.2); c.18249+3G>A (NM_001374722.1); c.18276+3G>A (NM_001374734.1); c.11478+3G>A (NM_001144770.2); c.11031+3G>A (NM_001374730.1); c.11358+3G>A (NM_183380.4); c.17289+3G>A (NM_001374729.1); c.10380+3G>A (NM_015548.5).
Identifiers: ClinVar variation 971102 (VCV000971102.8), dbSNP rs200813187, ClinGen allele CA139181596.

ClinVar aggregate classification (germline): Uncertain significance. Review status: criteria provided, multiple submitters, no conflicts (2 of 4 stars). 2 submissions from 2 submitters: Uncertain significance (2). Last evaluated 2022-11-03.

Conditions:
Epidermolysis bullosa simplex 3, localized or generalized intermediate, with BP230 deficiency (EBS3). Also called: Epidermolysis bullosa simplex, autosomal recessive 2; Epidermolysis bullosa simplex due to BP230 deficiency. Identifiers: Orphanet 412181, MedGen C3809470, MONDO:0014180, OMIM 615425.
Hereditary sensory and autonomic neuropathy type 6. Also called: Neuropathy, hereditary sensory and autonomic, type VI; HSAN VI. Identifiers: Orphanet 314381, MedGen C3539003, MONDO:0013839, OMIM 614653.
Inborn genetic diseases. Identifiers: MedGen C0950123, MeSH D030342.

Allele frequency attached by ClinVar (database versions not stated): gnomAD 0.00002; gnomAD exomes 0.00002 and 0.00004; TOPMed 0.00005.
gnomAD v4.1: 67 of 1,611,572 alleles (0.0042%); highest among the groups gnomAD compares: Non-Finnish European, 0.0053%; no homozygotes.

Submissions (2):

Ambry Genetics
Classification: Uncertain significance for Inborn genetic diseases. Last evaluated: 2022-11-03. Review status: criteria provided, single submitter. Criteria: Ambry Variant Classification Scheme 2023. Collection method: clinical testing. Allele origin: germline.
Comment: The c.11892+3G>A intronic alteration consists of a G to A substitution nucleotides after coding exon 64 in the DST gene. Based on insufficient or conflicting evidence, the clinical significance of this alteration remains unclear.

Labcorp Genetics (formerly Invitae), Labcorp
Classification: Uncertain significance for Epidermolysis bullosa simplex 3, localized or generalized intermediate, with BP230 deficiency; Hereditary sensory and autonomic neuropathy type 6. Last evaluated: 2021-09-01. Review status: criteria provided, single submitter. Criteria: Invitae Variant Classification Sherloc (09022015). Collection method: clinical testing. Allele origin: germline.